The following is an entry in ClinVar:

ClinVar aggregate classification (germline): Uncertain significance (1 of 4 stars; one submission).

Submission:

GeneDx
Classification: Uncertain significance. Last evaluated: 2025-07-20. Review status: criteria provided, single submitter. Criteria: GeneDx Variant Classification Process June 2021. Collection method: clinical testing. Allele origin: germline.
Comment: Has not been previously published as pathogenic or benign to our knowledge; Not observed at significant frequency in large population cohorts (gnomAD); In silico analysis suggests that this missense variant does not alter protein structure/function

NM_000810.4(GABRA5):c.1268G>A (p.Ser423Asn)

Gene: GABRA5 (gamma-aminobutyric acid type A receptor subunit alpha5; plus strand). Cytogenetic location: 15q12.
Variant type: single nucleotide variant.
Coding change: c.1268G>A on transcript NM_000810.4 (MANE Select); coding-DNA position 1268, G replaced by A.
Protein change: p.Ser423Asn; replaces serine 423 with asparagine.
Molecular consequence: missense variant.
Genome position (GRCh38, 1-based): chr15:26,948,112, G>A. VCF-style: chr15-26948112-G-A. GRCh37 (hg19) VCF-style: chr15-27193259-G-A.
Other names: c.1268G>A, p.Ser423Asn (NM_001165037.2); short protein forms S423N.
Identifiers: ClinVar variation 2499272 (VCV002499272.2), dbSNP rs2504372080, ClinGen allele CA391462782.
Genomic context (GRCh38, chr15:26,948,112, plus strand): 5'-TCTCAGTAAAACCCTCTGAAGAGAAGACTTCTGAAAGCAAAAAGACTTACAACAGTATCA[G>A]CAAAATTGACAAAATGTCCCGAATCGTATTCCCAGTCTTGTTCGGCACTTTCAACTTAGT-3'
Protein context (NP_000801.1, residues 413-433): SESKKTYNSI[Ser423Asn]KIDKMSRIVF